The following is an entry in ClinVar:

ClinVar aggregate classification (germline): Uncertain significance. Review status: criteria provided, multiple submitters, no conflicts (2 of 4 stars). 4 submissions from 4 submitters: Uncertain significance (4). Last evaluated 2025-06-08.

Conditions:
Hereditary cancer-predisposing syndrome. Also called: Neoplastic Syndromes, Hereditary; Hereditary neoplastic syndrome; Tumor predisposition; Hereditary Cancer Syndrome. Identifiers: Orphanet 140162, MedGen C0027672, MeSH D009386, MONDO:0015356.
Ataxia-telangiectasia syndrome (AT). Also called: Ataxia-telangiectasia, complementation group D; AT, COMPLEMENTATION GROUP C; ATAXIA-TELANGIECTASIA, COMPLEMENTATION GROUP A; ATAXIA-TELANGIECTASIA, FRESNO VARIANT; Ataxia-telangiectasia; LOUIS-BAR SYNDROME. Identifiers: Orphanet 100, MedGen C0004135, MONDO:0008840, OMIM 208900.
ATM-related cancer predisposition. Also called: ATM-related cancer susceptibility. Identifiers: MedGen CN377759, MONDO:0700270.
Familial cancer of breast. Also called: Hereditary breast cancer; hereditary breast carcinoma; BREAST CANCER, FAMILIAL. Identifiers: Orphanet 227535, MedGen C0346153, MONDO:0016419, OMIM 114480. Disease mechanism: loss of function.

Allele frequency attached by ClinVar (database versions not stated): gnomAD exomes below 0.00001.
gnomAD v4.1: 1 of 1,614,046 alleles (0.000062%); highest among the groups gnomAD compares: East Asian, 0.0022%; no homozygotes.

Submissions (4):

Dasa
Classification: Uncertain significance for ATM-related cancer predisposition. Last evaluated: 2025-06-08. Review status: criteria provided, single submitter. Criteria: DASA Assertion Criteria. Collection method: clinical testing. Allele origin: germline.
Comment: NM_000051.4(ATM):c.2746G>A (p.Val916Met) is a missense variant that results in the substitution of valine with methionine. This variant is rare in population databases. Computational prediction algorithms are consistent with a benign effect. The currently available literature and clinical evidence are not sufficient to establish a definitive association between this variant and the reported condition. Therefore, this variant is classified as a variant of uncertain significance.

Ambry Genetics
Classification: Uncertain significance for Hereditary cancer-predisposing syndrome. Last evaluated: 2024-12-22. Review status: criteria provided, single submitter. Criteria: Ambry Variant Classification Scheme 2023. Collection method: clinical testing. Allele origin: germline.
Comment: The p.V916M variant (also known as c.2746G>A), located in coding exon 17 of the ATM gene, results from a G to A substitution at nucleotide position 2746. The valine at codon 916 is replaced by methionine, an amino acid with highly similar properties. This amino acid position is conserved. In addition, this alteration is predicted to be tolerated by in silico analysis. Based on the available evidence, the clinical significance of this variant remains unclear.

Baylor Genetics
Classification: Uncertain significance for Familial cancer of breast. Last evaluated: 2024-03-20. Review status: criteria provided, single submitter. Criteria: ACMG Guidelines, 2015. Collection method: clinical testing. Allele origin: unknown.

Labcorp Genetics (formerly Invitae), Labcorp
Classification: Uncertain significance for Ataxia-telangiectasia syndrome. Last evaluated: 2023-01-10. Review status: criteria provided, single submitter. Criteria: Invitae Variant Classification Sherloc (09022015). Collection method: clinical testing. Allele origin: germline.
Comment: In summary, the available evidence is currently insufficient to determine the role of this variant in disease. Therefore, it has been classified as a Variant of Uncertain Significance. Algorithms developed to predict the effect of missense changes on protein structure and function output the following: SIFT: "Tolerated"; PolyPhen-2: "Benign"; Align-GVGD: "Class C0". The methionine amino acid residue is found in multiple mammalian species, which suggests that this missense change does not adversely affect protein function. ClinVar contains an entry for this variant (Variation ID: 857455). This variant has not been reported in the literature in individuals affected with ATM-related conditions. This variant is not present in population databases (gnomAD no frequency). This sequence change replaces valine, which is neutral and non-polar, with methionine, which is neutral and non-polar, at codon 916 of the ATM protein (p.Val916Met).

NM_000051.4(ATM):c.2746G>A (p.Val916Met)

Gene: ATM (ATM serine/threonine kinase; plus strand). Cytogenetic location: 11q22.3.
Variant type: single nucleotide variant.
Coding change: c.2746G>A on transcript NM_000051.4 (MANE Select); coding-DNA position 2746, G replaced by A.
Protein change: p.Val916Met; replaces valine 916 with methionine.
Molecular consequence: missense variant.
Genome position (GRCh38, 1-based): chr11:108,268,517, G>A. VCF-style: chr11-108268517-G-A. GRCh37 (hg19) VCF-style: chr11-108139244-G-A.
Other names: c.2746G>A, p.Val916Met (NM_001351834.2); short protein forms V916M.
Identifiers: ClinVar variation 857455 (VCV000857455.13), dbSNP rs2081388106, ClinGen allele CA382545412.